The following is an entry in ClinVar:

NM_014239.4(EIF2B2):c.223G>A (p.Glu75Lys)

Gene: EIF2B2 (eukaryotic translation initiation factor 2B subunit beta; plus strand). Cytogenetic location: 14q24.3.
Variant type: single nucleotide variant.
Coding change: c.223G>A on transcript NM_014239.4 (MANE Select); coding-DNA position 223, G replaced by A.
Protein change: p.Glu75Lys; replaces glutamic acid 75 with lysine.
Molecular consequence: missense variant.
Genome position (GRCh38, 1-based): chr14:75,003,334, G>A. VCF-style: chr14-75003334-G-A. GRCh37 (hg19) VCF-style: chr14-75470037-G-A.
Other names: short protein forms E75K.
Identifiers: ClinVar variation 3670436 (VCV003670436.2).

ClinVar aggregate classification (germline): Uncertain significance (1 of 4 stars; one submission).

Submission:

Labcorp Genetics (formerly Invitae), Labcorp
Classification: Uncertain significance. Last evaluated: 2025-01-21. Review status: criteria provided, single submitter. Criteria: Invitae Variant Classification Sherloc (09022015). Collection method: clinical testing. Allele origin: germline.
Comment: This sequence change replaces glutamic acid, which is acidic and polar, with lysine, which is basic and polar, at codon 75 of the EIF2B2 protein (p.Glu75Lys). This variant is not present in population databases (gnomAD no frequency). This variant has not been reported in the literature in individuals affected with EIF2B2-related conditions. Invitae Evidence Modeling of protein sequence and biophysical properties (such as structural, functional, and spatial information, amino acid conservation, physicochemical variation, residue mobility, and thermodynamic stability) has been performed for this missense variant. However, the output from this modeling did not meet the statistical confidence thresholds required to predict the impact of this variant on EIF2B2 protein function. In summary, the available evidence is currently insufficient to determine the role of this variant in disease. Therefore, it has been classified as a Variant of Uncertain Significance.